The following is an entry in ClinVar:

NM_017654.4(SAMD9):c.4209A>T (p.Arg1403Ser)

Gene: SAMD9 (sterile alpha motif domain containing 9; minus strand). Cytogenetic location: 7q21.2.
Variant type: single nucleotide variant.
Coding change: c.4209A>T on transcript NM_017654.4 (MANE Select); coding-DNA position 4209, A replaced by T.
Protein change: p.Arg1403Ser; replaces arginine 1403 with serine.
Molecular consequence: missense variant.
Genome position (GRCh38, 1-based): chr7:93,101,889, T>A on the plus strand (A>T on the coding strand, the complement: SAMD9 is on the minus strand). VCF-style: chr7-93101889-T-A. GRCh37 (hg19) VCF-style: chr7-92731202-T-A.
Other names: c.4209A>T, p.Arg1403Ser (NM_001193307.2); c.4209A>T (NM_017654.3); short protein forms R1403S.
Identifiers: ClinVar variation 1439944 (VCV001439944.8), dbSNP rs1791536550, ClinGen allele CA368180188.

ClinVar aggregate classification (germline): Uncertain significance. Review status: criteria provided, multiple submitters, no conflicts (2 of 4 stars). 5 submissions from 5 submitters: Uncertain significance (5). Last evaluated 2026-01-22.

Conditions:
SAMD9-related disorder. Also called: SAMD9-related condition.
Inborn genetic diseases. Identifiers: MedGen C0950123, MeSH D030342.

gnomAD v4.1: 5 of 1,613,868 alleles (0.00031%); highest among the groups gnomAD compares: Middle Eastern, 0.017%; no homozygotes.

Submissions (5):

Labcorp Genetics (formerly Invitae), Labcorp
Classification: Uncertain significance. Last evaluated: 2026-01-22. Review status: criteria provided, single submitter. Criteria: Invitae Variant Classification Sherloc (09022015). Collection method: clinical testing. Allele origin: germline.
Comment: This sequence change replaces arginine, which is basic and polar, with serine, which is neutral and polar, at codon 1403 of the SAMD9 protein (p.Arg1403Ser). This variant is not present in population databases (gnomAD no frequency). This variant has not been reported in the literature in individuals affected with SAMD9-related conditions. ClinVar contains an entry for this variant (Variation ID: 1439944). Invitae Evidence Modeling of protein sequence and biophysical properties (such as structural, functional, and spatial information, amino acid conservation, physicochemical variation, residue mobility, and thermodynamic stability) indicates that this missense variant is not expected to disrupt SAMD9 protein function with a negative predictive value of 95%. In summary, the available evidence is currently insufficient to determine the role of this variant in disease. Therefore, it has been classified as a Variant of Uncertain Significance.

Ambry Genetics
Classification: Uncertain significance for Inborn genetic diseases. Last evaluated: 2024-11-18. Review status: criteria provided, single submitter. Criteria: Ambry Variant Classification Scheme 2023. Collection method: clinical testing. Allele origin: germline.
Comment: The p.R1403S variant (also known as c.4209A>T), located in coding exon 1 of the SAMD9 gene, results from an A to T substitution at nucleotide position 4209. The arginine at codon 1403 is replaced by serine, an amino acid with dissimilar properties. This amino acid position is conserved. In addition, this alteration is predicted to be tolerated by in silico analysis. Based on the available evidence, the clinical significance of this variant remains unclear.

GeneDx
Classification: Uncertain significance. Last evaluated: 2024-01-31. Review status: criteria provided, single submitter. Criteria: GeneDx Variant Classification Process June 2021. Collection method: clinical testing. Allele origin: germline. Affected: yes.
Comment: Not observed at significant frequency in large population cohorts (gnomAD); In silico analysis supports that this missense variant does not alter protein structure/function; Has not been previously published as pathogenic or benign to our knowledge

PreventionGenetics, part of Exact Sciences
Classification: Uncertain significance for SAMD9-related condition. Last evaluated: 2023-06-22. Review status: criteria provided, single submitter. Criteria: ACMG Guidelines, 2015. Collection method: clinical testing. Allele origin: germline.
Comment: The SAMD9 c.4209A>T variant is predicted to result in the amino acid substitution p.Arg1403Ser. To our knowledge, this variant has not been reported in the literature or in a large population database, indicating this variant is rare. At this time, the clinical significance of this variant is uncertain due to the absence of conclusive functional and genetic evidence.

Blueprint Genetics
Classification: Uncertain significance. Last evaluated: 2023-02-13. Review status: criteria provided, single submitter. Criteria: ACMG Guidelines, 2015. Collection method: clinical testing. Allele origin: germline.